The following is an entry in ClinVar:

NM_002439.5(MSH3):c.260AGA[1] (p.Lys88del)

Gene: MSH3 (mutS homolog 3; plus strand). Cytogenetic location: 5q14.1.
Variant type: Microsatellite.
Coding change: c.260AGA[1] on transcript NM_002439.5 (MANE Select); one copy of the 3-base unit AGA starting at c.260; the reference has two copies in a row; one copy, 3 bases deleted.
Protein change: p.Lys88del; deletes lysine 88.
Molecular consequence: inframe deletion.
Genome position (GRCh38, 1-based): chr5:80,656,436-80,656,438, AGA deleted; deleting any 3 consecutive bases within chr5:80,656,432-80,656,438 gives the same sequence; the position shown is the placement nearest the transcript's 3' end. VCF-style (leftmost placement, unchanged base first): chr5-80656431-AAAG-A. GRCh37 (hg19) VCF-style: chr5-79952250-AAAG-A.
Other names: short protein forms K88del.
Identifiers: ClinVar variation 3874948 (VCV003874948.1).

ClinVar aggregate classification (germline): Uncertain significance (1 of 4 stars; one submission).

Conditions:
Hereditary cancer-predisposing syndrome. Also called: Tumor predisposition; Neoplastic Syndromes, Hereditary; Hereditary Cancer Syndrome; Hereditary neoplastic syndrome. Identifiers: Orphanet 140162, MedGen C0027672, MeSH D009386, MONDO:0015356.

Submission:

Ambry Genetics
Classification: Uncertain significance for Hereditary cancer-predisposing syndrome. Last evaluated: 2025-01-07. Review status: criteria provided, single submitter. Criteria: Ambry Variant Classification Scheme 2023. Collection method: clinical testing. Allele origin: germline.
Comment: The c.263_265delAGA variant (also known as p.K88del) is located in coding exon 2 of the MSH3 gene. This variant results from an in-frame AGA deletion at nucleotide positions 263 to 265. This results in the in-frame deletion of a lysine at codon 88. This amino acid position is highly conserved in available vertebrate species. In addition, this alteration is predicted to be neutral by in silico analysis (Choi Y et al. PLoS ONE. 2012; 7(10):e46688). Based on the available evidence, the clinical significance of this variant remains unclear.